The following is an entry in ClinVar:

ClinVar aggregate classification (germline): Uncertain significance (1 of 4 stars; one submission).

Allele frequency attached by ClinVar (database versions not stated): gnomAD exomes below 0.00001; ExAC 0.00001.
gnomAD v4.1: 1 of 1,614,230 alleles (0.000062%); highest among the groups gnomAD compares: Admixed American, 0.0017%; no homozygotes.

Submission:

Labcorp Genetics (formerly Invitae), Labcorp
Classification: Uncertain significance. Last evaluated: 2022-08-10. Review status: criteria provided, single submitter. Criteria: Invitae Variant Classification Sherloc (09022015). Collection method: clinical testing. Allele origin: germline.
Comment: This sequence change replaces cysteine, which is neutral and slightly polar, with phenylalanine, which is neutral and non-polar, at codon 302 of the WDR62 protein (p.Cys302Phe). This variant is present in population databases (rs774396949, gnomAD 0.003%). This variant has not been reported in the literature in individuals affected with WDR62-related conditions. ClinVar contains an entry for this variant (Variation ID: 1364015). Algorithms developed to predict the effect of missense changes on protein structure and function are either unavailable or do not agree on the potential impact of this missense change (SIFT: "Deleterious"; PolyPhen-2: "Probably Damaging"; Align-GVGD: "Class C0"). In summary, the available evidence is currently insufficient to determine the role of this variant in disease. Therefore, it has been classified as a Variant of Uncertain Significance.

NM_001083961.2(WDR62):c.905G>T (p.Cys302Phe)

Gene: WDR62 (WD repeat domain 62; plus strand). Cytogenetic location: 19q13.12.
Variant type: single nucleotide variant.
Coding change: c.905G>T on transcript NM_001083961.2 (MANE Select); coding-DNA position 905, G replaced by T.
Protein change: p.Cys302Phe; replaces cysteine 302 with phenylalanine.
Molecular consequence: missense variant.
Genome position (GRCh38, 1-based): chr19:36,071,578, G>T. VCF-style: chr19-36071578-G-T. GRCh37 (hg19) VCF-style: chr19-36562480-G-T.
Other names: c.905G>T, p.Cys302Phe (NM_173636.5); short protein forms C302F.
Identifiers: ClinVar variation 1364015 (VCV001364015.3), dbSNP rs774396949, ClinGen allele CA9395431.